The following is an entry in ClinVar:

NM_004380.3(CREBBP):c.4073T>A (p.Phe1358Tyr)

Gene: CREBBP (CREB binding lysine acetyltransferase; minus strand). Cytogenetic location: 16p13.3.
Variant type: single nucleotide variant.
Coding change: c.4073T>A on transcript NM_004380.3 (MANE Select); coding-DNA position 4073, T replaced by A.
Protein change: p.Phe1358Tyr; replaces phenylalanine 1358 with tyrosine.
Molecular consequence: missense variant.
Genome position (GRCh38, 1-based): chr16:3,740,459, A>T on the plus strand (T>A on the coding strand, the complement: CREBBP is on the minus strand). VCF-style: chr16-3740459-A-T. GRCh37 (hg19) VCF-style: chr16-3790460-A-T.
Other names: c.3959T>A, p.Phe1320Tyr (NM_001079846.1); short protein forms F1358Y, F1320Y.
Identifiers: ClinVar variation 5009257 (VCV005009257.1).

ClinVar aggregate classification (germline): Uncertain significance (1 of 4 stars; one submission).

Submission:

GeneDx
Classification: Uncertain significance. Last evaluated: 2026-03-18. Review status: criteria provided, single submitter. Criteria: GeneDx Variant Classification Process June 2021. Collection method: clinical testing. Allele origin: germline.
Comment: Not observed at significant frequency in large population cohorts (gnomAD); In silico analysis suggests that this missense variant does not alter protein structure/function; Has not been previously published as pathogenic or benign to our knowledge